The following is an entry in ClinVar:

NM_000400.4(ERCC2):c.1295T>A (p.Ile432Asn)

Gene: ERCC2 (ERCC excision repair 2, TFIIH core complex helicase subunit; minus strand). Cytogenetic location: 19q13.32.
Variant type: single nucleotide variant.
Coding change: c.1295T>A on transcript NM_000400.4 (MANE Select); coding-DNA position 1295, T replaced by A.
Protein change: p.Ile432Asn; replaces isoleucine 432 with asparagine.
Molecular consequence: missense variant.
Genome position (GRCh38, 1-based): chr19:45,357,642, A>T on the plus strand (T>A on the coding strand, the complement: ERCC2 is on the minus strand). VCF-style: chr19-45357642-A-T. GRCh37 (hg19) VCF-style: chr19-45860900-A-T.
Other names: short protein forms I432N.
Identifiers: ClinVar variation 1769198 (VCV001769198.4), dbSNP rs1320544088, ClinGen allele CA406367946.

ClinVar aggregate classification (germline): Uncertain significance. Review status: criteria provided, multiple submitters, no conflicts (2 of 4 stars). 2 submissions from 2 submitters: Uncertain significance (2). Last evaluated 2022-04-07.

Conditions:
Xeroderma pigmentosum, group D (XPD). Also called: XERODERMA PIGMENTOSUM, COMPLEMENTATION GROUP D; XERODERMA PIGMENTOSUM IV; XP, GROUP D; XP, GROUP H; ERCC2-Related Xeroderma Pigmentosum. Identifiers: MedGen C0268138, MONDO:0010212, OMIM 278730.
Trichothiodystrophy 1, photosensitive (TTD1). Also called: TAY SYNDROME; TRICHOTHIODYSTROPHY WITH CONGENITAL ICHTHYOSIS; PIBIDS SYNDROME. Identifiers: Orphanet 33364, MedGen C1866504, MONDO:0011125, OMIM 601675.
Cerebrooculofacioskeletal syndrome 2 (COFS2). Identifiers: MedGen C1853102, MONDO:0012553, OMIM 610756.
Inborn genetic diseases. Identifiers: MedGen C0950123, MeSH D030342.

Allele frequency attached by ClinVar (database versions not stated): gnomAD exomes below 0.00001; TOPMed below 0.00001.
gnomAD v4.1: 2 of 1,614,084 alleles (0.00012%); highest among the groups gnomAD compares: East Asian, 0.0022%; no homozygotes.

Submissions (2):

Ambry Genetics
Classification: Uncertain significance for Inborn genetic diseases. Last evaluated: 2022-04-07. Review status: criteria provided, single submitter. Criteria: Ambry Variant Classification Scheme 2023. Collection method: clinical testing. Allele origin: germline.
Comment: The p.I432N variant (also known as c.1295T>A), located in coding exon 13 of the ERCC2 gene, results from a T to A substitution at nucleotide position 1295. The isoleucine at codon 432 is replaced by asparagine, an amino acid with dissimilar properties. This amino acid position is conserved. In addition, this alteration is predicted to be deleterious by in silico analysis. Since supporting evidence is limited at this time, the clinical significance of this alteration remains unclear.

Juno Genomics, Hangzhou Juno Genomics, Inc
Classification: Uncertain significance for Xeroderma pigmentosum, group D; Cerebrooculofacioskeletal syndrome 2; Trichothiodystrophy 1, photosensitive. Review status: criteria provided, single submitter. Criteria: ACMG Guidelines, 2015. Collection method: clinical testing. Allele origin: germline.
Comment: Absent from controls (or at extremely low frequency if recessive) in Genome Aggregation Database.;Multiple lines of computational evidence support a deleterious effect on the gene or gene product.